The following is an entry in ClinVar:

NM_182961.4(SYNE1):c.13417G>A (p.Glu4473Lys)

Gene: SYNE1 (spectrin repeat containing nuclear envelope protein 1; minus strand). Cytogenetic location: 6q25.2.
Variant type: single nucleotide variant.
Coding change: c.13417G>A on transcript NM_182961.4 (MANE Select); coding-DNA position 13417, G replaced by A.
Protein change: p.Glu4473Lys; replaces glutamic acid 4473 with lysine.
Molecular consequence: missense variant.
Genome position (GRCh38, 1-based): chr6:152,331,268, C>T on the plus strand (G>A on the coding strand, the complement: SYNE1 is on the minus strand). VCF-style: chr6-152331268-C-T. GRCh37 (hg19) VCF-style: chr6-152652403-C-T.
Other names: c.13204G>A, p.Glu4402Lys (NM_033071.5); short protein forms E4473K, E4402K.
Identifiers: ClinVar variation 355877 (VCV000355877.8), dbSNP rs554814659, ClinGen allele CA4056181.

ClinVar aggregate classification (germline): Conflicting classifications of pathogenicity. Review status: criteria provided, conflicting classifications (1 of 4 stars). 4 submissions from 3 submitters: Uncertain significance (2); Benign (1). 1 of the submissions does not count toward it. Last evaluated 2025-06-13.

Conditions:
Arthrogryposis multiplex congenita 3, myogenic type. Also called: ARTHROGRYPOSIS MULTIPLEX CONGENITA, MYOGENIC TYPE. Identifiers: MedGen C5193121, MONDO:0032778, OMIM 618484.
Emery-Dreifuss muscular dystrophy 4, autosomal dominant (EDMD4). Also called: EMERY-DREIFUSS MUSCULAR DYSTROPHY 4 WITH VARIABLE FEATURES. Identifiers: Orphanet 261, MedGen C2751807, MONDO:0013071, OMIM 612998.
Autosomal recessive ataxia, Beauce type. Also called: SYNE1 Deficiency; SYNE1-Related Autosomal Recessive Cerebellar Ataxia; Spinocerebellar ataxia, autosomal recessive 8; ATAXIA, RECESSIVE, OF BEAUCE. Identifiers: Orphanet 88644, MedGen C1853116, MONDO:0012549, OMIM 610743.

Allele frequency attached by ClinVar (database versions not stated): gnomAD below 0.00001 and 0.00005; TOPMed 0.00002; gnomAD exomes 0.00010 and 0.00017; ExAC 0.00018; 1000 Genomes Project 0.00080; 1000 Genomes Project 30x 0.00094.
gnomAD v4.1: 155 of 1,614,120 alleles (0.0096%); highest among the groups gnomAD compares: South Asian, 0.14%; 1 homozygote.

Submissions (4):

Revvity Omics, Revvity
Classification: Uncertain significance. Last evaluated: 2025-06-13. Review status: criteria provided, single submitter. Criteria: ACMG Guidelines, 2015. Collection method: clinical testing. Allele origin: germline.

Illumina Laboratory Services, Illumina
Classification: Uncertain significance for Autosomal recessive ataxia, Beauce type. Last evaluated: 2018-01-13. Review status: criteria provided, single submitter. Criteria: ICSL Variant Classification Criteria 13 December 2019. Collection method: clinical testing. Allele origin: germline.

Illumina Laboratory Services, Illumina
Classification: Benign for Emery-Dreifuss muscular dystrophy 4, autosomal dominant. Last evaluated: 2018-01-13. Review status: criteria provided, single submitter. Criteria: ICSL Variant Classification Criteria 13 December 2019. Collection method: clinical testing. Allele origin: germline.
Comment: This variant was observed in the ICSL laboratory as part of a predisposition screen in an ostensibly healthy population. It had not been previously curated by ICSL or reported in the Human Gene Mutation Database (HGMD: prior to June 1st, 2018), and was therefore a candidate for classification through an automated scoring system. Utilizing variant allele frequency, disease prevalence and penetrance estimates, and inheritance mode, an automated score was calculated to assess if this variant is too frequent to cause the disease. Based on the score and internal cut-off values, a variant classified as benign is not then subjected to further curation. The score for this variant resulted in a classification of benign for this disease.

Dr.Nikuei Genetic Center
Classification: Benign for Arthrogryposis multiplex congenita 3, myogenic type. Review status: no assertion criteria provided. Collection method: clinical testing. Allele origin: germline. Inheritance: Autosomal recessive inheritance. Affected: no. Not counted in ClinVar's aggregate classification.